The following is an entry in ClinVar:

NM_133259.4(LRPPRC):c.983T>G (p.Val328Gly)

Gene: LRPPRC (leucine rich pentatricopeptide repeat containing; minus strand). Cytogenetic location: 2p21.
Variant type: single nucleotide variant.
Coding change: c.983T>G on transcript NM_133259.4 (MANE Select); coding-DNA position 983, T replaced by G.
Protein change: p.Val328Gly; replaces valine 328 with glycine.
Molecular consequence: missense variant.
Genome position (GRCh38, 1-based): chr2:43,974,640, A>C on the plus strand (T>G on the coding strand, the complement: LRPPRC is on the minus strand). VCF-style: chr2-43974640-A-C. GRCh37 (hg19) VCF-style: chr2-44201779-A-C.
Other names: short protein forms V328G.
Identifiers: ClinVar variation 1422997 (VCV001422997.7), dbSNP rs974359587, ClinGen allele CA46444645.
Genomic context (GRCh38, chr2:43,974,640, plus strand): 5'-TAAAAATCATGTAAATAGATTTTTTTAAAACTACCTGGAATATATCTTCTTTCACATGTA[A>C]CTTTTTCCAAAATTTCTGAGACATACTGAGGATACCCAGCTTTACTGAAGCTAAAAATAA-3'
Protein context (NP_573566.2, residues 318-338): PQYVSEILEK[Val328Gly]TCERRYIPDA

ClinVar aggregate classification (germline): Uncertain significance (1 of 4 stars; one submission).

Allele frequency attached by ClinVar (database versions not stated): TOPMed below 0.00001.
gnomAD v4.1: 2 of 1,605,082 alleles (0.00012%); highest among the groups gnomAD compares: Admixed American, 0.0033%; no homozygotes.

Submission:

Labcorp Genetics (formerly Invitae), Labcorp
Classification: Uncertain significance. Last evaluated: 2021-12-03. Review status: criteria provided, single submitter. Criteria: Invitae Variant Classification Sherloc (09022015). Collection method: clinical testing. Allele origin: germline.
Comment: This variant is not present in population databases (gnomAD no frequency). This sequence change replaces valine, which is neutral and non-polar, with glycine, which is neutral and non-polar, at codon 328 of the LRPPRC protein (p.Val328Gly). This variant has not been reported in the literature in individuals affected with LRPPRC-related conditions. Algorithms developed to predict the effect of missense changes on protein structure and function are either unavailable or do not agree on the potential impact of this missense change (SIFT: "Deleterious"; PolyPhen-2: "Benign"; Align-GVGD: "Class C0"). Algorithms developed to predict the effect of sequence changes on RNA splicing suggest that this variant may create or strengthen a splice site. In summary, the available evidence is currently insufficient to determine the role of this variant in disease. Therefore, it has been classified as a Variant of Uncertain Significance.